The following is an entry in ClinVar:

ClinVar aggregate classification (germline): Uncertain significance (1 of 4 stars; one submission).

Conditions:
EGFR-related lung cancer (EGFR). Identifiers: MedGen CN130014.

Submission:

Labcorp Genetics (formerly Invitae), Labcorp
Classification: Uncertain significance for EGFR-related lung cancer. Last evaluated: 2024-12-17. Review status: criteria provided, single submitter. Criteria: Invitae Variant Classification Sherloc (09022015). Collection method: clinical testing. Allele origin: germline.
Comment: This sequence change falls in intron 4 of the EGFR gene. It does not directly change the encoded amino acid sequence of the EGFR protein. It affects a nucleotide within the consensus splice site. This variant is not present in population databases (gnomAD no frequency). This variant has not been reported in the literature in individuals affected with EGFR-related conditions. Variants that disrupt the consensus splice site are a relatively common cause of aberrant splicing (PMID: 17576681, 9536098). Algorithms developed to predict the effect of sequence changes on RNA splicing suggest that this variant is not likely to affect RNA splicing. In summary, the available evidence is currently insufficient to determine the role of this variant in disease. Therefore, it has been classified as a Variant of Uncertain Significance.

Literature cited by the submitters: PubMed 17576681; PubMed 9536098.

NM_005228.5(EGFR):c.560-3C>T

Gene: EGFR (epidermal growth factor receptor; plus strand). Cytogenetic location: 7p11.2.
Variant type: single nucleotide variant.
Coding change: c.560-3C>T on transcript NM_005228.5 (MANE Select); 3 bases into the intron before coding-DNA position 560, C replaced by T.
Molecular consequence: intron variant.
Genome position (GRCh38, 1-based): chr7:55,151,291, C>T. VCF-style: chr7-55151291-C-T. GRCh37 (hg19) VCF-style: chr7-55218984-C-T.
Other names: c.425-3C>T (NM_001346899.2, NM_001346897.2); c.89-4539C>T (NM_001346941.2); c.560-3C>T (NM_001346898.2, NM_201284.2, NM_201282.2 and 1 more transcripts); c.401-3C>T (NM_001346900.2).
Identifiers: ClinVar variation 3727439 (VCV003727439.2).